The following is an entry in ClinVar:

NM_000540.3(RYR1):c.13865G>A (p.Gly4622Asp)

Gene: RYR1 (ryanodine receptor 1; plus strand). Cytogenetic location: 19q13.2.
Variant type: single nucleotide variant.
Coding change: c.13865G>A on transcript NM_000540.3 (MANE Select); coding-DNA position 13865, G replaced by A.
Protein change: p.Gly4622Asp; replaces glycine 4622 with aspartic acid.
Molecular consequence: missense variant.
Genome position (GRCh38, 1-based): chr19:38,572,137, G>A. VCF-style: chr19-38572137-G-A. GRCh37 (hg19) VCF-style: chr19-39062777-G-A.
Other names: c.13850G>A, p.Gly4617Asp (NM_001042723.2); short protein forms G4617D, G4622D.
Identifiers: ClinVar variation 4754711 (VCV004754711.1).

ClinVar aggregate classification (germline): Uncertain significance (1 of 4 stars; one submission).

Conditions:
RYR1-related disorder. Also called: RYR1-related condition; RYR1-related disorders. Identifiers: MedGen CN239331.

gnomAD v4.1: 12 of 1,613,764 alleles (0.00074%); highest among the groups gnomAD compares: South Asian, 0.0033%; 1 homozygote.

Submission:

Labcorp Genetics (formerly Invitae), Labcorp
Classification: Uncertain significance for RYR1-related disorder. Last evaluated: 2025-02-04. Review status: criteria provided, single submitter. Criteria: Invitae Variant Classification Sherloc (09022015). Collection method: clinical testing. Allele origin: germline.
Comment: This sequence change replaces glycine, which is neutral and non-polar, with aspartic acid, which is acidic and polar, at codon 4622 of the RYR1 protein (p.Gly4622Asp). This variant is not present in population databases (gnomAD no frequency). This variant has not been reported in the literature in individuals affected with RYR1-related conditions. Invitae Evidence Modeling of protein sequence and biophysical properties (such as structural, functional, and spatial information, amino acid conservation, physicochemical variation, residue mobility, and thermodynamic stability) indicates that this missense variant is not expected to disrupt RYR1 protein function with a negative predictive value of 95%. In summary, the available evidence is currently insufficient to determine the role of this variant in disease. Therefore, it has been classified as a Variant of Uncertain Significance.